The following is an entry in ClinVar:

NM_005633.4(SOS1):c.2182A>C (p.Lys728Gln)

Gene: SOS1 (SOS Ras/Rac guanine nucleotide exchange factor 1; minus strand). Cytogenetic location: 2p22.1.
Variant type: single nucleotide variant.
Coding change: c.2182A>C on transcript NM_005633.4 (MANE Select); coding-DNA position 2182, A replaced by C.
Protein change: p.Lys728Gln; replaces lysine 728 with glutamine.
Molecular consequence: missense variant.
Genome position (GRCh38, 1-based): chr2:39,012,334, T>G on the plus strand (A>C on the coding strand, the complement: SOS1 is on the minus strand). VCF-style: chr2-39012334-T-G. GRCh37 (hg19) VCF-style: chr2-39239475-T-G.
Other names: c.2161A>C, p.Lys721Gln (NM_001382394.1); c.2182A>C, p.Lys728Gln (NM_001382395.1); short protein forms K721Q, K728Q.
Identifiers: ClinVar variation 4706425 (VCV004706425.1).

ClinVar aggregate classification (germline): Uncertain significance (1 of 4 stars; one submission).

Conditions:
RASopathy. Also called: rasopathies; Noonan spectrum disorder. Identifiers: Orphanet 536391, MedGen C5555857, MONDO:0021060.

Submission:

Labcorp Genetics (formerly Invitae), Labcorp
Classification: Uncertain significance for RASopathy. Last evaluated: 2025-12-17. Review status: criteria provided, single submitter. Criteria: Invitae Variant Classification Sherloc (09022015). Collection method: clinical testing. Allele origin: germline.
Comment: This sequence change replaces lysine, which is basic and polar, with glutamine, which is neutral and polar, at codon 728 of the SOS1 protein (p.Lys728Gln). This variant is not present in population databases (gnomAD no frequency). This variant has not been reported in the literature in individuals affected with SOS1-related conditions. Invitae Evidence Modeling of protein sequence and biophysical properties (such as structural, functional, and spatial information, amino acid conservation, physicochemical variation, residue mobility, and thermodynamic stability) has been performed for this missense variant. However, the output from this modeling did not meet the statistical confidence thresholds required to predict the impact of this variant on SOS1 protein function. This variant disrupts the p.Lys728 amino acid residue in SOS1. Other variant(s) that disrupt this residue have been determined to be pathogenic (PMID: 20461756; internal data). This suggests that this residue is clinically significant, and that variants that disrupt this residue are likely to be disease-causing. In summary, the available evidence is currently insufficient to determine the role of this variant in disease. Therefore, it has been classified as a Variant of Uncertain Significance.

Literature cited by the submitters: PubMed 20461756.